The following is an entry in ClinVar:

NM_147196.3(TMIE):c.366T>G (p.Asp122Glu)

Gene: TMIE (transmembrane inner ear; plus strand). Cytogenetic location: 3p21.31.
Variant type: single nucleotide variant.
Coding change: c.366T>G on transcript NM_147196.3 (MANE Select); coding-DNA position 366, T replaced by G.
Protein change: p.Asp122Glu; replaces aspartic acid 122 with glutamic acid.
Molecular consequence: missense variant.
Genome position (GRCh38, 1-based): chr3:46,709,583, T>G. VCF-style: chr3-46709583-T-G. GRCh37 (hg19) VCF-style: chr3-46751073-T-G.
Other names: c.207T>G, p.Asp69Glu (NM_001370524.1, NM_001370525.1); short protein forms D122E, D69E.
Identifiers: ClinVar variation 47960 (VCV000047960.16), dbSNP rs370899710, ClinGen allele CA142258.
Genomic context (GRCh38, chr3:46,709,583, plus strand): 5'-AGACCCCAGGACCTTGTCTCACCACTATCACATGGTCTCTTCCCCCTGCCCCACAGAGGA[T>G]AAGAAGAAGAAGAAGAAGAAGAAGAAGGACAGTGTGGACACAGTGGCCATCAAAGTAGAG-3'
Protein context (NP_671729.2, residues 112-132): LNELTEVPGE[Asp122Glu]KKKKKKKKKD

ClinVar aggregate classification (germline): Conflicting classifications of pathogenicity. Review status: criteria provided, conflicting classifications (1 of 4 stars). 4 submissions from 4 submitters: Uncertain significance (3); Likely benign (1). Last evaluated 2024-06-17.

Conditions:
Autosomal recessive nonsyndromic hearing loss 6. Also called: NEUROSENSORY NONSYNDROMIC RECESSIVE DEAFNESS 6. Identifiers: Orphanet 90636, MedGen C1832992, MONDO:0010965, OMIM 600971.

Allele frequency attached by ClinVar (database versions not stated): gnomAD 0.00005; TOPMed 0.00006; ExAC 0.00008; gnomAD exomes 0.00010 and 0.00012.
gnomAD v4.1: 146 of 1,552,542 alleles (0.0094%); highest among the groups gnomAD compares: Middle Eastern, 0.084%; no homozygotes.

Submissions (4):

GeneDx
Classification: Uncertain significance. Last evaluated: 2024-06-17. Review status: criteria provided, single submitter. Criteria: GeneDx Variant Classification Process June 2021. Collection method: clinical testing. Allele origin: germline. Affected: yes.
Comment: In silico analysis indicates that this missense variant does not alter protein structure/function; Identified in a patient with autism spectrum disorder and reported to be de novo in published literature (PMID: 28714951); This variant is associated with the following publications: (PMID: 28714951)

Labcorp Genetics (formerly Invitae), Labcorp
Classification: Uncertain significance. Last evaluated: 2021-07-25. Review status: criteria provided, single submitter. Criteria: Invitae Variant Classification Sherloc (09022015). Collection method: clinical testing. Allele origin: germline.
Comment: In summary, the available evidence is currently insufficient to determine the role of this variant in disease. Therefore, it has been classified as a Variant of Uncertain Significance. Algorithms developed to predict the effect of missense changes on protein structure and function output the following: SIFT: "Tolerated"; PolyPhen-2: "Benign"; Align-GVGD: "Class C0". The glutamic acid amino acid residue is found in multiple mammalian species, which suggests that this missense change does not adversely affect protein function. ClinVar contains an entry for this variant (Variation ID: 47960). This variant has not been reported in the literature in individuals affected with TMIE-related conditions. This variant is present in population databases (rs370899710, ExAC 0.01%). This sequence change replaces aspartic acid with glutamic acid at codon 122 of the TMIE protein (p.Asp122Glu). The aspartic acid residue is moderately conserved and there is a small physicochemical difference between aspartic acid and glutamic acid.

Illumina Laboratory Services, Illumina
Classification: Uncertain significance for Autosomal recessive nonsyndromic hearing loss 6. Last evaluated: 2018-01-13. Review status: criteria provided, single submitter. Criteria: ICSL Variant Classification Criteria 13 December 2019. Collection method: clinical testing. Allele origin: germline.

Laboratory for Molecular Medicine, Mass General Brigham Personalized Medicine
Classification: Likely benign. Last evaluated: 2013-01-15. Review status: criteria provided, single submitter. Criteria: LMM Criteria. Collection method: clinical testing. Allele origin: germline. Observed: 1 variant allele.
Comment: Asp122Glu in exon 4 of TMIE: This variant is not expected to have clinical signi ficance because this amino acid is not evolutionarily conserved with several mam mals, including rabbit, cat, and cow, carrying a glutamic acid (Glu) at this pos ition.